The following is an entry in ClinVar:

ClinVar aggregate classification (germline): Uncertain significance (1 of 4 stars; one submission).

Allele frequency attached by ClinVar (database versions not stated): gnomAD exomes below 0.00001 and 0.00001.
gnomAD v4.1: 2 of 1,613,910 alleles (0.00012%); highest among the groups gnomAD compares: Admixed American, 0.0017%; no homozygotes.

Submission:

Labcorp Genetics (formerly Invitae), Labcorp
Classification: Uncertain significance. Last evaluated: 2021-10-24. Review status: criteria provided, single submitter. Criteria: Invitae Variant Classification Sherloc (09022015). Collection method: clinical testing. Allele origin: germline.
Comment: This variant has not been reported in the literature in individuals affected with POLR3A-related conditions. In summary, the available evidence is currently insufficient to determine the role of this variant in disease. Therefore, it has been classified as a Variant of Uncertain Significance. Algorithms developed to predict the effect of missense changes on protein structure and function (SIFT, PolyPhen-2, Align-GVGD) all suggest that this variant is likely to be tolerated. This variant is not present in population databases (ExAC no frequency). This sequence change replaces phenylalanine with cysteine at codon 403 of the POLR3A protein (p.Phe403Cys). The phenylalanine residue is weakly conserved and there is a large physicochemical difference between phenylalanine and cysteine.

NM_007055.4(POLR3A):c.1208T>G (p.Phe403Cys)

Gene: POLR3A (RNA polymerase III subunit A; minus strand). Cytogenetic location: 10q22.3.
Variant type: single nucleotide variant.
Coding change: c.1208T>G on transcript NM_007055.4 (MANE Select); coding-DNA position 1208, T replaced by G.
Protein change: p.Phe403Cys; replaces phenylalanine 403 with cysteine.
Molecular consequence: missense variant.
Genome position (GRCh38, 1-based): chr10:78,019,243, A>C on the plus strand (T>G on the coding strand, the complement: POLR3A is on the minus strand). VCF-style: chr10-78019243-A-C. GRCh37 (hg19) VCF-style: chr10-79779001-A-C.
Other names: short protein forms F403C.
Identifiers: ClinVar variation 1471014 (VCV001471014.6), dbSNP rs1259789124, ClinGen allele CA377343768.
Genomic context (GRCh38, chr10:78,019,243, plus strand): 5'-TGCTGAATGAAGTTTGCTCCTGGGTGAACCTCAGGGCCGTTTTGAACCAGTTTCCTCAAG[A>C]AATTGATGTTTGCTTTGTTTACCTGCAGTACAAAAAAACCACAATAAGTTACTCCCAGGT-3'
Protein context (NP_008986.2, residues 393-413): PEKVNKANIN[Phe403Cys]LRKLVQNGPE